The following is an entry in ClinVar:

ClinVar aggregate classification (germline): Uncertain significance. Review status: criteria provided, multiple submitters, no conflicts (2 of 4 stars). 3 submissions from 3 submitters: Uncertain significance (2). 1 of the submissions does not count toward it. Last evaluated 2025-01-24.

Conditions:
Inborn genetic diseases. Identifiers: MedGen C0950123, MeSH D030342.
X-linked Alport syndrome (ATS1). Also called: NEPHROPATHY AND DEAFNESS, X-LINKED; COL4A5-Related Nephropathy. Identifiers: Orphanet 63, Orphanet 88917, MedGen C4746986, MONDO:0010520, OMIM 301050.

Allele frequency attached by ClinVar (database versions not stated): gnomAD exomes below 0.00001; TOPMed below 0.00001; gnomAD 0.00001.

Submissions (3):

Ambry Genetics
Classification: Uncertain significance for Inborn genetic diseases. Last evaluated: 2025-01-24. Review status: criteria provided, single submitter. Criteria: Ambry Variant Classification Scheme 2023. Collection method: clinical testing. Allele origin: germline.

Labcorp Genetics (formerly Invitae), Labcorp
Classification: Uncertain significance. Last evaluated: 2021-09-01. Review status: criteria provided, single submitter. Criteria: Invitae Variant Classification Sherloc (09022015). Collection method: clinical testing. Allele origin: germline.
Comment: This sequence change replaces leucine with phenylalanine at codon 764 of the COL4A5 protein (p.Leu764Phe). The leucine residue is moderately conserved and there is a small physicochemical difference between leucine and phenylalanine. This variant is not present in population databases (ExAC no frequency). This variant has not been reported in the literature in individuals affected with COL4A5-related conditions. Algorithms developed to predict the effect of missense changes on protein structure and function output the following: SIFT: "Tolerated"; PolyPhen-2: "Not Available"; Align-GVGD: "Class C0". The phenylalanine amino acid residue is found in multiple mammalian species, which suggests that this missense change does not adversely affect protein function. In summary, the available evidence is currently insufficient to determine the role of this variant in disease. Therefore, it has been classified as a Variant of Uncertain Significance.

Natera, Inc.
Classification: Uncertain significance for X-linked Alport syndrome. Last evaluated: 2021-02-23. Review status: no assertion criteria provided. Collection method: clinical testing. Allele origin: germline. Not counted in ClinVar's aggregate classification.

NM_033380.3(COL4A5):c.2290C>T (p.Leu764Phe)

Gene: COL4A5 (collagen type IV alpha 5 chain; plus strand). Cytogenetic location: Xq22.3.
Variant type: single nucleotide variant.
Coding change: c.2290C>T on transcript NM_033380.3 (MANE Select); coding-DNA position 2290, C replaced by T.
Protein change: p.Leu764Phe; replaces leucine 764 with phenylalanine.
Molecular consequence: missense variant.
Genome position (GRCh38, 1-based): chrX:108,606,787, C>T. VCF-style: chrX-108606787-C-T. GRCh37 (hg19) VCF-style: chrX-107850017-C-T.
Other names: c.2290C>T (NM_000495.3); c.2290C>T, p.Leu764Phe (NM_000495.5); short protein forms L764F.
Identifiers: ClinVar variation 956895 (VCV000956895.9), dbSNP rs2066735216, ClinGen allele CA413848827.
Genomic context (GRCh38, chrX:108,606,787, plus strand): 5'-ATGTGTATGCTCAAGGGTGAACCAGGATTTGCATTACCTGGGCCACCTGGGCCACCAGGA[C>T]TTCCAGGTTTCAAAGGAGCACTTGGTCCAAAAGGTGATCGTGGTTTCCCAGGACCTCCGG-3'
Protein context (NP_203699.1, residues 754-774): ALPGPPGPPG[Leu764Phe]PGFKGALGPK